The following is an entry in ClinVar:

NM_007194.4(CHEK2):c.1135T>A (p.Ser379Thr)

Gene: CHEK2 (checkpoint kinase 2; minus strand). Cytogenetic location: 22q12.1.
Variant type: single nucleotide variant.
Coding change: c.1135T>A on transcript NM_007194.4 (MANE Select); coding-DNA position 1135, T replaced by A.
Protein change: p.Ser379Thr; replaces serine 379 with threonine.
Molecular consequence: missense variant.
Genome position (GRCh38, 1-based): chr22:28,695,834, A>T on the plus strand (T>A on the coding strand, the complement: CHEK2 is on the minus strand). VCF-style: chr22-28695834-A-T. GRCh37 (hg19) VCF-style: chr22-29091822-A-T.
Other names: c.1264T>A, p.Ser422Thr (NM_001005735.3); c.472T>A, p.Ser158Thr (NM_001257387.3, NM_001437942.1); c.934T>A, p.Ser312Thr (NM_001349956.3); c.1228T>A, p.Ser410Thr (NM_001438293.1); c.1177T>A, p.Ser393Thr (NM_001438294.1); c.1141T>A, p.Ser381Thr (NM_001438295.1); c.1048T>A, p.Ser350Thr (NM_145862.3); short protein forms S381T, S393T, S410T, S422T, S158T, S312T, S350T, S379T.
Identifiers: ClinVar variation 4634744 (VCV004634744.1).
Genomic context (GRCh38, chr22:28,695,834, plus strand): 5'-CAGAAACAAGAACTTCAGGCGCCAAGTAGGTGGGGGTTCCACATAAGGTTCTCATGAGAG[A>T]GGTCTCTCCCAAAATCTTGGAGTGCCCAAAATCAGTAATCTAAAATTCAGTACAAAAGGG-3'
Protein context (NP_009125.1, residues 369-389): FGHSKILGET[Ser379Thr]LMRTLCGTPT

ClinVar aggregate classification (germline): Uncertain significance (1 of 4 stars; one submission).

Conditions:
Hereditary cancer-predisposing syndrome. Also called: Neoplastic Syndromes, Hereditary; Tumor predisposition; Hereditary Cancer Syndrome; Hereditary neoplastic syndrome. Identifiers: Orphanet 140162, MedGen C0027672, MeSH D009386, MONDO:0015356.

Submission:

Ambry Genetics
Classification: Uncertain significance for Hereditary cancer-predisposing syndrome. Last evaluated: 2025-09-22. Review status: criteria provided, single submitter. Criteria: Ambry Variant Classification Scheme 2023. Collection method: clinical testing. Allele origin: germline.
Comment: The p.S379T variant (also known as c.1135T>A), located in coding exon 10 of the CHEK2 gene, results from a T to A substitution at nucleotide position 1135. The serine at codon 379 is replaced by threonine, an amino acid with similar properties. This amino acid position is conserved. In addition, this alteration is predicted to be tolerated by in silico analysis. Based on the available evidence, the clinical significance of this variant remains unclear.